The following is an entry in ClinVar:

NM_007217.4(PDCD10):c.558-2A>C

Gene: PDCD10 (programmed cell death 10; minus strand). Cytogenetic location: 3q26.1.
Variant type: single nucleotide variant.
Coding change: c.558-2A>C on transcript NM_007217.4 (MANE Select); the canonical splice acceptor site of the intron before coding-DNA position 558, A replaced by C.
Molecular consequence: splice acceptor variant.
Genome position (GRCh38, 1-based): chr3:167,684,391, T>G on the plus strand (A>C on the coding strand, the complement: PDCD10 is on the minus strand). VCF-style: chr3-167684391-T-G. GRCh37 (hg19) VCF-style: chr3-167402179-T-G.
Other names: c.558-2A>C (NM_145860.2, NM_145859.2).
Identifiers: ClinVar variation 468333 (VCV000468333.9), dbSNP rs1553758385, ClinGen allele CA355153966.

ClinVar aggregate classification (germline): Pathogenic (1 of 4 stars; one submission).

Conditions:
Cerebral cavernous malformation 3. Also called: Familial Cerebral Cavernous Malformation 3. Identifiers: Orphanet 221061, MedGen C1864040, MONDO:0011305, OMIM 603285.

Submission:

Labcorp Genetics (formerly Invitae), Labcorp
Classification: Pathogenic for Cerebral cavernous malformation 3. Last evaluated: 2020-08-05. Review status: criteria provided, single submitter. Criteria: Invitae Variant Classification Sherloc (09022015). Collection method: clinical testing. Allele origin: germline.
Comment: For these reasons, this variant has been classified as Pathogenic. Nucleotide substitutions within the consensus splice site are a relatively common cause of aberrant splicing (PMID: 17576681, 9536098). Algorithms developed to predict the effect of sequence changes on RNA splicing suggest that this variant may disrupt the consensus splice site, but this prediction has not been confirmed by published transcriptional studies. Disruption of this splice site has been observed in individual(s) affected with cerebral cavernous malformations (PMID: 24689081, Invitae). ClinVar contains an entry for this variant (Variation ID: 468333). This variant is not present in population databases (ExAC no frequency). This sequence change affects an acceptor splice site in the last intron (intron 7) of the PDCD10 gene. While this is not anticipated to result in nonsense mediated decay, it likely alters RNA splicing and results in a disrupted protein product.

Literature cited by the submitters: PubMed 17576681; PubMed 9536098; PubMed 24689081.